The following is an entry in ClinVar:

NM_020433.5(JPH2):c.1977A>G (p.Ala659=)

Gene: JPH2 (junctophilin 2; minus strand). Cytogenetic location: 20q13.12.
Variant type: single nucleotide variant.
Coding change: c.1977A>G on transcript NM_020433.5 (MANE Select); coding-DNA position 1977, A replaced by G.
Protein change: p.Ala659=; no amino-acid change (alanine 659 retained).
Molecular consequence: synonymous variant.
Genome position (GRCh38, 1-based): chr20:44,115,698, T>C on the plus strand (A>G on the coding strand, the complement: JPH2 is on the minus strand). VCF-style: chr20-44115698-T-C. GRCh37 (hg19) VCF-style: chr20-42744338-T-C.
Identifiers: ClinVar variation 1101665 (VCV001101665.12), dbSNP rs148093975, ClinGen allele CA9868555.

ClinVar aggregate classification (germline): Likely benign. Review status: criteria provided, multiple submitters, no conflicts (2 of 4 stars). 3 submissions from 3 submitters: Likely benign (3). Last evaluated 2025-04-24.

Conditions:
JPH2-related disorder. Also called: JPH2-related condition.
Cardiovascular phenotype. Identifiers: MedGen CN230736.
Hypertrophic cardiomyopathy. Also called: HYPERTROPHIC MYOCARDIOPATHY. Identifiers: Orphanet 217569, MedGen C0007194, MeSH D002312, MONDO:0005045, HP:0001639.

Allele frequency attached by ClinVar (database versions not stated): gnomAD exomes 0.00001 and 0.00003; ExAC 0.00003; gnomAD 0.00006 and 0.00007; TOPMed 0.00011; 1000 Genomes Project 30x 0.00031; 1000 Genomes Project 0.00040.
gnomAD v4.1: 22 of 1,613,268 alleles (0.0014%); highest among the groups gnomAD compares: African/African-American, 0.029%; no homozygotes.

Submissions (3):

PreventionGenetics, part of Exact Sciences
Classification: Likely benign for JPH2-related condition. Last evaluated: 2025-04-24. Review status: criteria provided, single submitter. Criteria: ACMG Guidelines, 2015. Collection method: clinical testing. Allele origin: germline.
Comment: This variant is classified as likely benign based on ACMG/AMP sequence variant interpretation guidelines (Richards et al. 2015 PMID: 25741868, with internal and published modifications).

Labcorp Genetics (formerly Invitae), Labcorp
Classification: Likely benign for Hypertrophic cardiomyopathy. Last evaluated: 2025-01-13. Review status: criteria provided, single submitter. Criteria: Invitae Variant Classification Sherloc (09022015). Collection method: clinical testing. Allele origin: germline.

Ambry Genetics
Classification: Likely benign for Cardiovascular phenotype. Last evaluated: 2019-07-23. Review status: criteria provided, single submitter. Criteria: Ambry Variant Classification Scheme 2023. Collection method: clinical testing. Allele origin: germline.